The following is an entry in ClinVar:

ClinVar aggregate classification (germline): Uncertain significance (1 of 4 stars; one submission).

Submission:

Labcorp Genetics (formerly Invitae), Labcorp
Classification: Uncertain significance. Last evaluated: 2025-11-05. Review status: criteria provided, single submitter. Criteria: Invitae Variant Classification Sherloc (09022015). Collection method: clinical testing. Allele origin: germline.
Comment: This sequence change falls in intron 36 of the COL2A1 gene. It does not directly change the encoded amino acid sequence of the COL2A1 protein. This variant is not present in population databases (gnomAD no frequency). This variant has not been reported in the literature in individuals affected with COL2A1-related conditions. Experimental studies and prediction algorithms are not available or were not evaluated, and the effect of this variant on mRNA splicing is currently unknown. In summary, the available evidence is currently insufficient to determine the role of this variant in disease. Therefore, it has been classified as a Variant of Uncertain Significance.

NM_001844.5(COL2A1):c.2409+67_2409+70delinsCCCCCTGGCCCAGCTGGTGCTAATGGCGAGAAGGTGAGTCCCGGCTCCTTTCCTCTCCACACCTTGCCTCCCTGTCACACCTCCTTCTTATCTCCT

Gene: COL2A1 (collagen type II alpha 1 chain; minus strand). Cytogenetic location: 12q13.11.
Variant type: Indel.
Coding change: c.2409+67_2409+70delinsCCCCCTGGCCCAGCTGGTGCTAATGGCGAGAAGGTGAGTCCCGGCTCCTTTCCTCTCCACACCTTGCCTCCCTGTCACACCTCCTTCTTATCTCCT on transcript NM_001844.5 (MANE Select); bases 67 to 70 of the intron after coding-DNA position 2409, the reference bases replaced by an inserted sequence.
Molecular consequence: intron variant.
Genome position (GRCh38, 1-based): chr12:47,981,706-47,981,709, 4 bases replaced. GRCh37 (hg19): chr12:48,375,489-48,375,492.
Other names: c.2202+67_2202+70delinsCCCCCTGGCCCAGCTGGTGCTAATGGCGAGAAGGTGAGTCCCGGCTCCTTTCCTCTCCACACCTTGCCTCCCTGTCACACCTCCTTCTTATCTCCT (NM_033150.3).
Identifiers: ClinVar variation 4730548 (VCV004730548.1).